The following is an entry in ClinVar:

NM_001943.5(DSG2):c.1752_1784del (p.Gln584_Leu594del)

Gene: DSG2 (desmoglein 2; plus strand). Cytogenetic location: 18q12.1.
Variant type: Deletion.
Coding change: c.1752_1784del on transcript NM_001943.5 (MANE Select); coding-DNA positions 1752 to 1784, 33 bases deleted.
Protein change: p.Gln584_Leu594del.
Molecular consequence: inframe deletion.
Genome position (GRCh38, 1-based): chr18:31,538,851-31,538,883, 33 bases deleted; deleting any 33 consecutive bases within chr18:31,538,848-31,538,883 gives the same sequence; the c. name uses the placement nearest the transcript's 3' end. GRCh37 (hg19): chr18:29,118,814-29,118,846.
Other names: c.1752_1784del (LRG_397t1, NM_001943.4).
Identifiers: ClinVar variation 579139 (VCV000579139.12), dbSNP rs1333431543, ClinGen allele CA629453710.
Genomic context (GRCh38, chr18:31,538,847, plus strand): 5'-TTGGGAGAAGTGAAATTCAGTTCCTGATTTCAGACAATCAGGGTTTTAGTTGTCCTGAAA[AGCAGGTCCTTACACTCACAGTTTGTGAGTGTCT>A]GCATGGCAGCGGCTGCAGGGAAGCACAGCATGACTCCTATGTGGGCCTGGGACCCGCAGC-3'

ClinVar aggregate classification (germline): Uncertain significance. Review status: criteria provided, multiple submitters, no conflicts (2 of 4 stars). 3 submissions from 3 submitters: Uncertain significance (3). Last evaluated 2026-09-21.

Conditions:
Cardiovascular phenotype. Identifiers: MedGen CN230736.
Arrhythmogenic right ventricular dysplasia 10. Also called: ARRHYTHMOGENIC RIGHT VENTRICULAR DYSPLASIA, FAMILIAL, 10; Arrhythmogenic right ventricular dysplasia/cardiomyopathy, type 10; Arrhythmogenic Right Ventricular Dysplasia/Cardiomyopathy10. Identifiers: MedGen C1857777, MONDO:0012434, OMIM 610193.

Submissions (3):

Molecular Diagnostic Laboratory for Inherited Cardiovascular Disease, Montreal Heart Institute
Classification: Uncertain significance for Cardiovascular phenotype. Last evaluated: 2026-09-21. Review status: criteria provided, single submitter. Criteria: ACMG Guidelines, 2015. Collection method: clinical testing. Allele origin: germline. Affected: yes.
Comment: PM2, PM4

Labcorp Genetics (formerly Invitae), Labcorp
Classification: Uncertain significance for Arrhythmogenic right ventricular dysplasia 10. Last evaluated: 2023-10-10. Review status: criteria provided, single submitter. Criteria: Invitae Variant Classification Sherloc (09022015). Collection method: clinical testing. Allele origin: germline.
Comment: This variant, c.1752_1784del, results in the deletion of 11 amino acid(s) of the DSG2 protein (p.Gln584_Leu594del), but otherwise preserves the integrity of the reading frame. The frequency data for this variant in the population databases is considered unreliable, as metrics indicate poor data quality at this position in the gnomAD database. This variant has not been reported in the literature in individuals affected with DSG2-related conditions. ClinVar contains an entry for this variant (Variation ID: 579139). Experimental studies and prediction algorithms are not available or were not evaluated, and the functional significance of this variant is currently unknown. In summary, the available evidence is currently insufficient to determine the role of this variant in disease. Therefore, it has been classified as a Variant of Uncertain Significance.

GeneDx
Classification: Uncertain significance. Last evaluated: 2019-09-13. Review status: criteria provided, single submitter. Criteria: GeneDx Variant Classification Process June 2021. Collection method: clinical testing. Allele origin: germline. Affected: yes.
Comment: Has not been previously published as pathogenic or benign to our knowledge; Not observed in large population cohorts (Lek et al., 2016); Reported in ClinVar as a variant of uncertain significance (ClinVar Variant ID# 579139; Landrum et al., 2016); In-frame deletion of 11 amino acids in a non-repeat region; In silico analysis, which includes protein predictors and evolutionary conservation, supports a deleterious effect